The following is an entry in ClinVar:

NM_203446.3(SYNJ1):c.2786T>G (p.Ile929Arg)

Gene: SYNJ1 (synaptojanin 1; minus strand). Cytogenetic location: 21q22.11.
Variant type: single nucleotide variant.
Coding change: c.2786T>G on transcript NM_203446.3 (MANE Select); coding-DNA position 2786, T replaced by G.
Protein change: p.Ile929Arg; replaces isoleucine 929 with arginine.
Molecular consequence: missense variant.
Genome position (GRCh38, 1-based): chr21:32,656,696, A>C on the plus strand (T>G on the coding strand, the complement: SYNJ1 is on the minus strand). VCF-style: chr21-32656696-A-C. GRCh37 (hg19) VCF-style: chr21-34029006-A-C.
Other names: c.2786T>G, p.Ile929Arg (NM_001160302.2); c.2771T>G, p.Ile924Arg (NM_001160306.2); c.2903T>G, p.Ile968Arg (NM_003895.4); short protein forms I924R, I929R, I968R.
Identifiers: ClinVar variation 1054047 (VCV001054047.11), dbSNP rs755258923, ClinGen allele CA10003595.

ClinVar aggregate classification (germline): Uncertain significance (1 of 4 stars; one submission).

Conditions:
Developmental and epileptic encephalopathy, 53. Also called: Epileptic encephalopathy, early infantile, 53. Identifiers: MedGen C4479313, MONDO:0033362, OMIM 617389.
Early-onset Parkinson disease 20. Also called: PARKINSON DISEASE 20, AUTOSOMAL RECESSIVE EARLY-ONSET. Identifiers: Orphanet 391411, MedGen C3809824, MONDO:0014233, OMIM 615530.

Submission:

Labcorp Genetics (formerly Invitae), Labcorp
Classification: Uncertain significance for Developmental and epileptic encephalopathy, 53; Early-onset Parkinson disease 20. Last evaluated: 2022-08-09. Review status: criteria provided, single submitter. Criteria: Invitae Variant Classification Sherloc (09022015). Collection method: clinical testing. Allele origin: germline.
Comment: ClinVar contains an entry for this variant (Variation ID: 1054047). This sequence change replaces isoleucine, which is neutral and non-polar, with arginine, which is basic and polar, at codon 968 of the SYNJ1 protein (p.Ile968Arg). This variant is present in population databases (rs755258923, gnomAD 0.006%). This variant has not been reported in the literature in individuals affected with SYNJ1-related conditions. Algorithms developed to predict the effect of missense changes on protein structure and function are either unavailable or do not agree on the potential impact of this missense change (SIFT: "Deleterious"; PolyPhen-2: "Possibly Damaging"; Align-GVGD: "Class C0"). In summary, the available evidence is currently insufficient to determine the role of this variant in disease. Therefore, it has been classified as a Variant of Uncertain Significance.